The following is an entry in ClinVar:

NC_000006.12:g.79947809C>A

Variant type: single nucleotide variant.
Genome position: GRCh38 VCF-style: chr6-79947809-C-A. GRCh37 (hg19) VCF-style: chr6-80657526-C-A.
Identifiers: ClinVar variation 2656724 (VCV002656724.23), dbSNP rs111607692, ClinGen allele CA142273808.

ClinVar aggregate classification (germline): Benign (1 of 4 stars; one submission).

Submission:

CeGaT Center for Human Genetics Tuebingen
Classification: Benign. Last evaluated: 2023-05-01. Review status: criteria provided, single submitter. Criteria: CeGaT Center For Human Genetics Tuebingen Variant Classification Criteria Version 2. Collection method: clinical testing. Allele origin: germline. Affected: yes. Observed: 1 variant allele.
Comment: ENSG00000287816: BS1, BS2